The following is an entry in ClinVar:

ClinVar aggregate classification (germline): Uncertain significance. Review status: criteria provided, multiple submitters, no conflicts (2 of 4 stars). 2 submissions from 2 submitters: Uncertain significance (2). Last evaluated 2023-06-27.

Conditions:
Autosomal recessive limb-girdle muscular dystrophy type 2Q (LGMDR17). Also called: MUSCULAR DYSTROPHY, LIMB-GIRDLE, AUTOSOMAL RECESSIVE 17. Identifiers: Orphanet 254361, MedGen C3150989, MONDO:0013390, OMIM 613723.
Epidermolysis bullosa simplex 5C, with pyloric atresia (EBS5C). Also called: PLEC1-Related Epidermolysis Bullosa with Pyloric Atresia; Epidermolysis bullosa simplex with pyloric atresia; PLEC-Related Epidermolysis Bullosa with Pyloric Atresia. Identifiers: Orphanet 158684, MedGen C2677349, MONDO:0012807, OMIM 612138.
Epidermolysis bullosa simplex 5B, with muscular dystrophy (EBS5B). Also called: EPIDERMOLYSIS BULLOSA SIMPLEX AND LIMB-GIRDLE MUSCULAR DYSTROPHY; Epidermolysis bullosa simplex with muscular dystrophy. Identifiers: Orphanet 257, MedGen C2931072, MONDO:0009181, OMIM 226670.
Epidermolysis bullosa simplex with nail dystrophy (EBS5D). Identifiers: MedGen C4225309, MONDO:0014661, OMIM 616487.
Epidermolysis bullosa simplex, Ogna type (EBS5A). Also called: Pidermolysis bullosa simplex 5A, Ogna type; EPIDERMOLYSIS BULLOSA SIMPLEX 5A, OGNA TYPE. Identifiers: Orphanet 79401, MedGen C0432317, MONDO:0007555, OMIM 131950.

Allele frequency attached by ClinVar (database versions not stated): gnomAD exomes 0.00001; ExAC 0.00003.
gnomAD v4.1: 7 of 1,589,292 alleles (0.00044%); highest among the groups gnomAD compares: Middle Eastern, 0.017%; no homozygotes.

Submissions (2):

Labcorp Genetics (formerly Invitae), Labcorp
Classification: Uncertain significance for Autosomal recessive limb-girdle muscular dystrophy type 2Q; Epidermolysis bullosa simplex, Ogna type; Epidermolysis bullosa simplex with nail dystrophy; Epidermolysis bullosa simplex 5C, with pyloric atresia; Epidermolysis bullosa simplex 5B, with muscular dystrophy. Last evaluated: 2023-06-27. Review status: criteria provided, single submitter. Criteria: Invitae Variant Classification Sherloc (09022015). Collection method: clinical testing. Allele origin: germline.
Comment: In summary, the available evidence is currently insufficient to determine the role of this variant in disease. Therefore, it has been classified as a Variant of Uncertain Significance. Experimental studies and prediction algorithms are not available or were not evaluated, and the functional significance of this variant is currently unknown. ClinVar contains an entry for this variant (Variation ID: 1029849). This variant has not been reported in the literature in individuals affected with PLEC-related conditions. The frequency data for this variant in the population databases is considered unreliable, as metrics indicate poor data quality at this position in the gnomAD database. This sequence change replaces arginine, which is basic and polar, with cysteine, which is neutral and slightly polar, at codon 1485 of the PLEC protein (p.Arg1485Cys).

Baylor Genetics
Classification: Uncertain significance for Autosomal recessive limb-girdle muscular dystrophy type 2Q. Last evaluated: 2019-11-06. Review status: criteria provided, single submitter. Criteria: ACMG Guidelines, 2015. Collection method: clinical testing. Allele origin: unknown. Affected: yes.
Comment: This variant was determined to be of uncertain significance according to ACMG Guidelines, 2015 [PMID:25741868].

NM_201384.3(PLEC):c.4372C>T (p.Arg1458Cys)

Gene: PLEC (plectin; minus strand). Cytogenetic location: 8q24.3.
Variant type: single nucleotide variant.
Coding change: c.4372C>T on transcript NM_201384.3 (MANE Select); coding-DNA position 4372, C replaced by T.
Protein change: p.Arg1458Cys; replaces arginine 1458 with cysteine.
Molecular consequence: missense variant.
Genome position (GRCh38, 1-based): chr8:143,925,557, G>A on the plus strand (C>T on the coding strand, the complement: PLEC is on the minus strand). VCF-style: chr8-143925557-G-A. GRCh37 (hg19) VCF-style: chr8-144999725-G-A.
Other names: c.4453C>T, p.Arg1485Cys (NM_000445.5); c.4330C>T, p.Arg1444Cys (NM_201378.4); c.4306C>T, p.Arg1436Cys (NM_201379.3); c.4783C>T, p.Arg1595Cys (NM_201380.4); c.4276C>T, p.Arg1426Cys (NM_201381.3); c.4372C>T, p.Arg1458Cys (NM_201382.4); c.4384C>T, p.Arg1462Cys (NM_201383.3); short protein forms R1462C, R1458C, R1595C, R1426C, R1436C, R1444C, R1485C.
Identifiers: ClinVar variation 1029849 (VCV001029849.4), dbSNP rs782169790, ClinGen allele CA4926681.
Genomic context (GRCh38, chr8:143,925,557, plus strand): 5'-GTGCCTGCAGCTCCCCCTCAGCCCCGCCACGCTGGCGCTCGGTGGCCTCCAACTGCAGGC[G>A]CACCACGCGGATCTCCTCCTCGATGCGCAGCCGGCTGCGCTCAGCCGCCTCTGCCTGCCG-3'
Protein context (NP_958786.1, residues 1448-1468): LRIEEEIRVV[Arg1458Cys]LQLEATERQR